The following is an entry in ClinVar:

NM_001127222.2(CACNA1A):c.6448C>G (p.Arg2150Gly)

Gene: CACNA1A (calcium voltage-gated channel subunit alpha1 A; minus strand). Cytogenetic location: 19p13.13.
Variant type: single nucleotide variant.
Coding change: c.6448C>G on transcript NM_001127222.2 (MANE Select); coding-DNA position 6448, C replaced by G.
Protein change: p.Arg2150Gly; replaces arginine 2150 with glycine.
Molecular consequence: missense variant.
Genome position (GRCh38, 1-based): chr19:13,209,390, G>C on the plus strand (C>G on the coding strand, the complement: CACNA1A is on the minus strand). VCF-style: chr19-13209390-G-C. GRCh37 (hg19) VCF-style: chr19-13320204-G-C.
Other names: c.6466C>G, p.Arg2156Gly (NM_000068.4, NM_023035.3); c.6451C>G, p.Arg2151Gly (NM_001127221.2); c.6457C>G, p.Arg2153Gly (NM_001174080.2); short protein forms R2150G, R2151G, R2153G, R2156G.
Identifiers: ClinVar variation 1483105 (VCV001483105.9), dbSNP rs756780624, ClinGen allele CA404330861.
Genomic context (GRCh38, chr19:13,209,390, plus strand): 5'-AGCGGCCCAGGGAGCGCTCAGAGGCGCGGTGGCTGCGGTCGCGGCGCCGCTGGTGGTGCC[G>C]CTGGTTCTCCTCGGGCGGGACCCGCTCCAGCGAGTAATCGTCCAGGCGTCGGGCCTTGGG-3'
Protein context (NP_001120694.1, residues 2140-2160): LERVPPEENQ[Arg2150Gly]HHQRRRDRSH

ClinVar aggregate classification (germline): Uncertain significance. Review status: criteria provided, multiple submitters, no conflicts (2 of 4 stars). 2 submissions from 2 submitters: Uncertain significance (2). Last evaluated 2022-09-30.

Conditions:
Developmental and epileptic encephalopathy, 42 (DEE42A). Also called: DEVELOPMENTAL AND EPILEPTIC ENCEPHALOPATHY 42A; EPILEPTIC ENCEPHALOPATHY, EARLY INFANTILE, 42A; Epileptic encephalopathy, early infantile, 42. Identifiers: MedGen C4310716, MONDO:0014917, OMIM 617106.
Episodic ataxia type 2 (EA2). Also called: ATAXIA, EPISODIC, WITH NYSTAGMUS; ATAXIA, FAMILIAL PAROXYSMAL; CEREBELLAR ATAXIA, PAROXYSMAL, ACETAZOLAMIDE-RESPONSIVE; CEREBELLOPATHY, HEREDITARY PAROXYSMAL; EPISODIC ATAXIA, NYSTAGMUS-ASSOCIATED; ACETAZOLAMIDE-RESPONSIVE HEREDITARY PAROXYSMAL CEREBELLAR ATAXIA. Identifiers: Orphanet 97, MedGen C1720416, MONDO:0007163, OMIM 108500.

gnomAD v4.1: 1 of 1,401,098 alleles (0.000071%); highest among the groups gnomAD compares: Non-Finnish European, 0.000093%; no homozygotes.

Submissions (2):

GeneDx
Classification: Uncertain significance. Last evaluated: 2022-09-30. Review status: criteria provided, single submitter. Criteria: GeneDx Variant Classification Process June 2021. Collection method: clinical testing. Allele origin: germline. Affected: yes.
Comment: Not observed at significant frequency in large population cohorts (gnomAD); In silico analysis supports that this missense variant has a deleterious effect on protein structure/function; Has not been previously published as pathogenic or benign to our knowledge

Labcorp Genetics (formerly Invitae), Labcorp
Classification: Uncertain significance for Developmental and epileptic encephalopathy, 42; Episodic ataxia type 2. Last evaluated: 2021-07-16. Review status: criteria provided, single submitter. Criteria: Invitae Variant Classification Sherloc (09022015). Collection method: clinical testing. Allele origin: germline.
Comment: This variant has not been reported in the literature in individuals affected with CACNA1A-related conditions. Advanced modeling of protein sequence and biophysical properties (such as structural, functional, and spatial information, amino acid conservation, physicochemical variation, residue mobility, and thermodynamic stability) performed at Invitae indicates that this missense variant is not expected to disrupt CACNA1A protein function. In summary, the available evidence is currently insufficient to determine the role of this variant in disease. Therefore, it has been classified as a Variant of Uncertain Significance. The frequency data for this variant in the population databases is considered unreliable, as metrics indicate insufficient coverage at this position in the ExAC database. This sequence change replaces arginine with glycine at codon 2151 of the CACNA1A protein (p.Arg2151Gly). The arginine residue is moderately conserved and there is a moderate physicochemical difference between arginine and glycine.